The following is an entry in ClinVar:

ClinVar aggregate classification (germline): Pathogenic (1 of 4 stars; one submission).

Submission:

Labcorp Genetics (formerly Invitae), Labcorp
Classification: Pathogenic. Last evaluated: 2025-07-31. Review status: criteria provided, single submitter. Criteria: Invitae Variant Classification Sherloc (09022015). Collection method: clinical testing. Allele origin: germline.
Comment: This sequence change creates a premature translational stop signal (p.Ser3Argfs*2) in the HNF4A gene. It is expected to result in an absent or disrupted protein product. Loss-of-function variants in HNF4A are known to be pathogenic (PMID: 20164212, 23275527, 23348805, 24097065). This variant is not present in population databases (gnomAD no frequency). This variant has not been reported in the literature in individuals affected with HNF4A-related conditions. For these reasons, this variant has been classified as Pathogenic.

Literature cited by the submitters: PubMed 20164212; PubMed 23275527; PubMed 23348805; PubMed 24097065.

NM_175914.5(HNF4A):c.9del (p.Ser3fs)

Gene: HNF4A (hepatocyte nuclear factor 4 alpha; plus strand). Cytogenetic location: 20q13.12.
Variant type: Deletion.
Coding change: c.9del on transcript NM_175914.5 (MANE Select); coding-DNA position 9, one base deleted (C; older notation c.9delC).
Protein change: p.Ser3fs; shifts the reading frame from serine 3.
Molecular consequence: frameshift variant. On other transcripts: 5 prime UTR variant (3).
Genome position (GRCh38, 1-based): chr20:44,355,813, C deleted. VCF-style (leftmost placement, unchanged base first): chr20-44355812-GC-G. GRCh37 (hg19) VCF-style: chr20-42984452-GC-G.
Other names: c.9del, p.Ser3fs (NM_001030003.3, NM_001030004.3); c.-223del (NM_001287182.2, NM_001287183.2, NM_001287184.2); short protein forms S3fs.
Identifiers: ClinVar variation 4724577 (VCV004724577.1).